The following is an entry in ClinVar:

NM_000528.4(MAN2B1):c.436+144C>G

Gene: MAN2B1 (mannosidase alpha class 2B member 1; minus strand). Cytogenetic location: 19p13.13.
Variant type: single nucleotide variant.
Coding change: c.436+144C>G on transcript NM_000528.4 (MANE Select); 144 bases into the intron after coding-DNA position 436, C replaced by G.
Molecular consequence: intron variant.
Genome position (GRCh38, 1-based): chr19:12,665,208, G>C on the plus strand (C>G on the coding strand, the complement: MAN2B1 is on the minus strand). VCF-style: chr19-12665208-G-C. GRCh37 (hg19) VCF-style: chr19-12776022-G-C.
Other names: c.436+144C>G (NM_001173498.2).
Identifiers: ClinVar variation 1678784 (VCV001678784.3), dbSNP rs191603967, ClinGen allele CA305478742.

ClinVar aggregate classification (germline): Likely benign. Review status: criteria provided, multiple submitters, no conflicts (2 of 4 stars). 2 submissions from 2 submitters: Likely benign (2). Last evaluated 2021-10-19.

Allele frequency attached by ClinVar (database versions not stated): 1000 Genomes Project 30x 0.00937; gnomAD 0.00615 and 0.00650; TOPMed 0.00731; 1000 Genomes Project 0.00799.
gnomAD v4.1: 1,606 of 1,129,414 alleles (0.14%); highest among the groups gnomAD compares: African/African-American, 2.1%; 25 homozygotes.

Submissions (2):

GeneDx
Classification: Likely benign. Last evaluated: 2021-10-19. Review status: criteria provided, single submitter. Criteria: GeneDx Variant Classification Process June 2021. Collection method: clinical testing. Allele origin: germline. Affected: yes.
Comment: See Variant Classification Assertion Criteria.

Breakthrough Genomics
Classification: Likely benign. Review status: criteria provided, single submitter. Criteria: ACMG Guidelines, 2015. Collection method: not provided. Allele origin: germline. Inheritance: Autosomal recessive inheritance. Affected: yes.